The following is an entry in ClinVar:

NM_002691.4(POLD1):c.1892+11C>T

Gene: POLD1 (DNA polymerase delta 1, catalytic subunit; plus strand). Cytogenetic location: 19q13.33.
Variant type: single nucleotide variant.
Coding change: c.1892+11C>T on transcript NM_002691.4 (MANE Select); 11 bases into the intron after coding-DNA position 1892, C replaced by T.
Molecular consequence: intron variant.
Genome position (GRCh38, 1-based): chr19:50,408,912, C>T. VCF-style: chr19-50408912-C-T. GRCh37 (hg19) VCF-style: chr19-50912169-C-T.
Other names: c.1970+11C>T (LRG_785t2, NM_001308632.1); c.1892+11C>T (NM_001256849.1, LRG_785t1).
Identifiers: ClinVar variation 371994 (VCV000371994.12), dbSNP rs376751542, ClinGen allele CA9596305.
Genomic context (GRCh38, chr19:50,408,912, plus strand): 5'-AACCTGTGTTACACCACGCTCCTTCGGCCCGGGACTGCACAGAAACTGGGGTATAGTGCC[C>T]AATTCAGCATGTGTCCCCCGAGGCCCATCTGGGCCTTCCCTTGGGGGGCTCAGTCTGGTG-3'

ClinVar aggregate classification (germline): Likely benign. Review status: criteria provided, multiple submitters, no conflicts (2 of 4 stars). 5 submissions from 5 submitters: Likely benign (4). 1 of the submissions does not count toward it. Last evaluated 2026-01-07.

Conditions:
POLD1-related polyposis and colorectal cancer syndrome (CRCS10). Also called: Colorectal cancer, susceptibility to, 10; Colorectal cancer 10; COLORECTAL CANCER, SUSCEPTIBILITY TO, ON CHROMOSOME 19q. Identifiers: Orphanet 220460, MedGen C2675481, MONDO:0012953, OMIM 612591.
Familial colorectal cancer type X. Identifiers: Orphanet 440437, MedGen C3896578, MONDO:0018604.
Polymerase proofreading-related adenomatous polyposis. Also called: Polymerase proofreading associated polyposis; Polymerase proofreading–associated polyposis (PPAP). Identifiers: Orphanet 447877, MedGen C5202613, MONDO:0018653.

Allele frequency attached by ClinVar (database versions not stated): gnomAD exomes 0.00002 and 0.00008; ExAC 0.00003; gnomAD 0.00003; TOPMed 0.00005; ESP Exome Variant Server 0.00008.
gnomAD v4.1: 118 of 1,603,540 alleles (0.0074%); highest among the groups gnomAD compares: Non-Finnish European, 0.0099%; no homozygotes.

Submissions (5):

Labcorp Genetics (formerly Invitae), Labcorp
Classification: Likely benign for POLD1-related polyposis and colorectal cancer syndrome. Last evaluated: 2026-01-07. Review status: criteria provided, single submitter. Criteria: Invitae Variant Classification Sherloc (09022015). Collection method: clinical testing. Allele origin: germline.

Blueprint Genetics
Classification: Likely benign. Last evaluated: 2024-11-18. Review status: criteria provided, single submitter. Criteria: ACMG Guidelines, 2015. Collection method: clinical testing. Allele origin: germline.

Department of Pathology and Laboratory Medicine, Sinai Health System
Classification: Likely benign for Polymerase proofreading-related adenomatous polyposis; Familial colorectal cancer type X. Last evaluated: 2023-07-06. Review status: criteria provided, single submitter. Criteria: ACMG Guidelines, 2015. Collection method: clinical testing. Allele origin: germline.

GeneDx
Classification: Likely benign. Last evaluated: 2016-09-15. Review status: criteria provided, single submitter. Criteria: GeneDx Variant Classification (06012015). Collection method: clinical testing. Allele origin: germline. Affected: yes.
Comment: This variant is considered likely benign or benign based on one or more of the following criteria: it is a conservative change, it occurs at a poorly conserved position in the protein, it is predicted to be benign by multiple in silico algorithms, and/or has population frequency not consistent with disease.

Counsyl
Classification: Likely benign for POLD1-related polyposis and colorectal cancer syndrome. Last evaluated: 2016-10-03. Review status: no assertion criteria provided. Collection method: clinical testing. Allele origin: unknown. Not counted in ClinVar's aggregate classification.